The following is an entry in ClinVar:

NM_004519.4(KCNQ3):c.1945C>T (p.Arg649Trp)

Gene: KCNQ3 (potassium voltage-gated channel subfamily Q member 3; minus strand). Cytogenetic location: 8q24.22.
Variant type: single nucleotide variant.
Coding change: c.1945C>T on transcript NM_004519.4 (MANE Select); coding-DNA position 1945, C replaced by T.
Protein change: p.Arg649Trp; replaces arginine 649 with tryptophan.
Molecular consequence: missense variant.
Genome position (GRCh38, 1-based): chr8:132,129,936, G>A on the plus strand (C>T on the coding strand, the complement: KCNQ3 is on the minus strand). VCF-style: chr8-132129936-G-A. GRCh37 (hg19) VCF-style: chr8-133142183-G-A.
Other names: c.1585C>T, p.Arg529Trp (NM_001204824.2); short protein forms R649W, R529W.
Identifiers: ClinVar variation 547040 (VCV000547040.44), dbSNP rs770863845, ClinGen allele CA4880535.
Genomic context (GRCh38, chr8:132,129,936, plus strand): 5'-CTTCAGCTGGCGAGGAGGTGCCCTTGGTTGGGTAATACTCCGTGACCTGCACCTGCAACC[G>A]TTCCATGTGTTGCATGTGCATATCCACGAGGAAGTCCAGCTTCTTCCCCATGTCCTGAAC-3'
Protein context (NP_004510.1, residues 639-659): LVDMHMQHME[Arg649Trp]LQVQVTEYYP

ClinVar aggregate classification (germline): Uncertain significance. Review status: criteria provided, multiple submitters, no conflicts (2 of 4 stars). 2 submissions from 2 submitters: Uncertain significance (2). Last evaluated 2025-10-23.

Conditions:
Benign neonatal seizures. Also called: Benign familial neonatal seizures; Convulsions benign familial neonatal dominant form; Autosomal dominant form of benign neonatal seizures; Benign neonatal familial convulsions; Benign familial neonatal epilepsy. Identifiers: Orphanet 1949, MedGen C0220669, MONDO:0016027.

Allele frequency attached by ClinVar (database versions not stated): gnomAD exomes 0.00001 and 0.00002; ExAC 0.00002.
gnomAD v4.1: 37 of 1,614,006 alleles (0.0023%); highest among the groups gnomAD compares: Non-Finnish European, 0.0029%; no homozygotes.

Submissions (2):

Labcorp Genetics (formerly Invitae), Labcorp
Classification: Uncertain significance for Benign neonatal seizures. Last evaluated: 2025-10-23. Review status: criteria provided, single submitter. Criteria: Invitae Variant Classification Sherloc (09022015). Collection method: clinical testing. Allele origin: germline.
Comment: This sequence change replaces arginine, which is basic and polar, with tryptophan, which is neutral and slightly polar, at codon 649 of the KCNQ3 protein (p.Arg649Trp). This variant is present in population databases (rs770863845, gnomAD 0.006%). This variant has not been reported in the literature in individuals affected with KCNQ3-related conditions. ClinVar contains an entry for this variant (Variation ID: 547040). Invitae Evidence Modeling of protein sequence and biophysical properties (such as structural, functional, and spatial information, amino acid conservation, physicochemical variation, residue mobility, and thermodynamic stability) indicates that this missense variant is not expected to disrupt KCNQ3 protein function with a negative predictive value of 95%. In summary, the available evidence is currently insufficient to determine the role of this variant in disease. Therefore, it has been classified as a Variant of Uncertain Significance.

CeGaT Center for Human Genetics Tuebingen
Classification: Uncertain significance. Last evaluated: 2018-01-01. Review status: criteria provided, single submitter. Criteria: CeGaT Center For Human Genetics Tuebingen Variant Classification Criteria Version 2. Collection method: clinical testing. Allele origin: germline. Affected: yes. Observed: 1 variant allele.